The following is an entry in ClinVar:

ClinVar aggregate classification (germline): Uncertain significance. Review status: criteria provided, multiple submitters, no conflicts (2 of 4 stars). 3 submissions from 3 submitters: Uncertain significance (2). 1 of the submissions does not count toward it. Last evaluated 2025-01-20.

Conditions:
Hereditary spastic paraplegia 49 (HSAN9). Also called: NEUROPATHY, HEREDITARY SENSORY AND AUTONOMIC, TYPE IX, WITH DEVELOPMENTAL DELAY; Spastic paraplegia 49, autosomal recessive; TECPR2-Related Hereditary Sensory and Autonomic Neuropathy with Intellectual Disability. Identifiers: Orphanet 320385, MedGen C5190860, MONDO:0014016, OMIM 615031.

Allele frequency attached by ClinVar (database versions not stated): ExAC 0.00001; gnomAD 0.00001; TOPMed 0.00001; gnomAD exomes 0.00002 and 0.00003.
gnomAD v4.1: 50 of 1,613,778 alleles (0.0031%); highest among the groups gnomAD compares: Non-Finnish European, 0.0041%; no homozygotes.

Submissions (3):

Women's Health and Genetics/Laboratory Corporation of America, LabCorp
Classification: Uncertain significance. Last evaluated: 2025-01-20. Review status: criteria provided, single submitter. Criteria: LabCorp Variant Classification Summary - May 2015. Collection method: clinical testing. Allele origin: germline.
Comment: Variant summary: TECPR2 c.2971G>A (p.Gly991Arg) results in a non-conservative amino acid change in the encoded protein sequence. Five of five in-silico tools predict a damaging effect of the variant on protein function. The variant allele was found at a frequency of 1.6e-05 in 251460 control chromosomes. The available data on variant occurrences in the general population are insufficient to allow any conclusion about variant significance. To our knowledge, no occurrence of c.2971G>A in individuals affected with Hereditary spastic paraplegia 49 and no experimental evidence demonstrating its impact on protein function have been reported. ClinVar contains an entry for this variant (Variation ID: 660264). Based on the evidence outlined above, the variant was classified as uncertain significance.

Labcorp Genetics (formerly Invitae), Labcorp
Classification: Uncertain significance for Hereditary spastic paraplegia 49. Last evaluated: 2021-08-28. Review status: criteria provided, single submitter. Criteria: Invitae Variant Classification Sherloc (09022015). Collection method: clinical testing. Allele origin: germline.
Comment: This sequence change replaces glycine with arginine at codon 991 of the TECPR2 protein (p.Gly991Arg). The glycine residue is highly conserved and there is a moderate physicochemical difference between glycine and arginine. This variant is present in population databases (rs769632840, ExAC 0.001%). This variant has not been reported in the literature in individuals affected with TECPR2-related conditions. Algorithms developed to predict the effect of missense changes on protein structure and function are either unavailable or do not agree on the potential impact of this missense change (SIFT: "Tolerated"; PolyPhen-2: "Probably Damaging"; Align-GVGD: "Class C0"). Algorithms developed to predict the effect of sequence changes on RNA splicing suggest that this variant may create or strengthen a splice site. In summary, the available evidence is currently insufficient to determine the role of this variant in disease. Therefore, it has been classified as a Variant of Uncertain Significance.

Natera, Inc.
Classification: Uncertain significance for Autosomal recessive spastic paraplegia type 49. Last evaluated: 2020-10-22. Review status: no assertion criteria provided. Collection method: clinical testing. Allele origin: germline. Not counted in ClinVar's aggregate classification.

NM_014844.5(TECPR2):c.2971G>A (p.Gly991Arg)

Gene: TECPR2 (tectonin beta-propeller repeat containing 2; plus strand). Cytogenetic location: 14q32.31.
Variant type: single nucleotide variant.
Coding change: c.2971G>A on transcript NM_014844.5 (MANE Select); coding-DNA position 2971, G replaced by A.
Protein change: p.Gly991Arg; replaces glycine 991 with arginine.
Molecular consequence: missense variant.
Genome position (GRCh38, 1-based): chr14:102,445,843, G>A. VCF-style: chr14-102445843-G-A. GRCh37 (hg19) VCF-style: chr14-102912180-G-A.
Other names: c.2971G>A, p.Gly991Arg (NM_001172631.3); short protein forms G991R.
Identifiers: ClinVar variation 660264 (VCV000660264.8), dbSNP rs769632840, ClinGen allele CA7358110.
Genomic context (GRCh38, chr14:102,445,843, plus strand): 5'-CCTGTTCTCCTCCTTATTTTCAGCGAAAGGCAAGCTTTAGAACCCGTCTGCATAACGCTC[G>A]GGGATCAGCAGACTCTCTGGGCCCTGGACATCCATGGGAACCTGTGGTTCAGAACTGGCA-3'
Protein context (NP_055659.2, residues 981-1001): QALEPVCITL[Gly991Arg]DQQTLWALDI